The following is an entry in ClinVar:

ClinVar aggregate classification (germline): Pathogenic/Likely pathogenic. Review status: criteria provided, multiple submitters, no conflicts (2 of 4 stars). 2 submissions from 2 submitters: Pathogenic (1); Likely pathogenic (1). Last evaluated 2025-05-30.

Conditions:
Primary ciliary dyskinesia. Also called: Ciliary dyskinesia. Identifiers: Orphanet 244, MedGen C0008780, MONDO:0016575, HP:0012265.
DNAAF3-related disorders.

Submissions (2):

Labcorp Genetics (formerly Invitae), Labcorp
Classification: Pathogenic for Primary ciliary dyskinesia. Last evaluated: 2025-05-30. Review status: criteria provided, single submitter. Criteria: Invitae Variant Classification Sherloc (09022015). Collection method: clinical testing. Allele origin: germline.
Comment: This sequence change creates a premature translational stop signal (p.Ala466Thrfs*75) in the DNAAF3 gene. While this is not anticipated to result in nonsense mediated decay, it is expected to disrupt the last 143 amino acid(s) of the DNAAF3 protein. This variant is not present in population databases (gnomAD no frequency). This variant has not been reported in the literature in individuals affected with DNAAF3-related conditions. This variant disrupts a region of the DNAAF3 protein in which other variant(s) (p.Gln487*) have been determined to be pathogenic (internal data). This suggests that this is a clinically significant region of the protein, and that variants that disrupt it are likely to be disease-causing. For these reasons, this variant has been classified as Pathogenic.

Blueprint Genetics
Classification: Likely pathogenic for DNAAF3-related disorders. Last evaluated: 2023-05-19. Review status: criteria provided, single submitter. Criteria: ACMG Guidelines, 2015. Collection method: clinical testing. Allele origin: germline. Affected: yes. Observed: 1 variant allele.

NM_001256715.2(DNAAF3):c.1194_1204del (p.Ala399fs)

Genes: DNAAF3 (dynein axonemal assembly factor 3; minus strand), DNAAF3-AS1 (DNAAF3 antisense RNA 1; plus strand). Cytogenetic location: 19q13.42.
Variant type: Deletion.
Coding change: c.1194_1204del on transcript NM_001256715.2 (MANE Select); coding-DNA positions 1194 to 1204, 11 bases deleted (GGCCTGTGTGG).
Protein change: p.Ala399fs; shifts the reading frame from alanine 399.
Molecular consequence: frameshift variant.
Genome position (GRCh38, 1-based): chr19:55,159,567-55,159,577, CCACACAGGCC deleted on the plus strand (GGCCTGTGTGG on the coding strand, the reverse complement: DNAAF3 is on the minus strand); deleting any 11 consecutive bases within chr19:55,159,567-55,159,580 gives the same sequence; the c. name uses the placement nearest the transcript's 3' end. VCF-style (leftmost placement, unchanged base first): chr19-55159566-GCCACACAGGCC-G. GRCh37 (hg19) VCF-style: chr19-55670934-GCCACACAGGCC-G.
Other names: c.1395_1405del, p.Ala466fs (NM_001256714.1); c.1032_1042del, p.Ala345fs (NM_001256716.2); c.1335_1345del, p.Ala446fs (NM_178837.4); short protein forms A446fs, A345fs, A466fs, A399fs.
Identifiers: ClinVar variation 4699471 (VCV004699471.2).
Genomic context (GRCh38, chr19:55,159,566, plus strand): 5'-TCCCCACCCTCCACCCCACTGACTCACCGGGCTAATTCCACAATCAAGTTCCCTCCGGGT[GCCACACAGGCC>G]CCAAGCTCAGGGATGAGAAGATGGACCATACTGCAGAGAGGACGGAGGACAGGCTGAGAT-3'